The following is an entry in ClinVar:

NM_000321.3(RB1):c.1389+1G>T

Gene: RB1 (RB transcriptional corepressor 1; plus strand). Cytogenetic location: 13q14.2.
Variant type: single nucleotide variant.
Coding change: c.1389+1G>T on transcript NM_000321.3 (MANE Select); the canonical splice donor site of the intron after coding-DNA position 1389, G replaced by T.
Molecular consequence: splice donor variant.
Genome position (GRCh38, 1-based): chr13:48,379,651, G>T. VCF-style: chr13-48379651-G-T. GRCh37 (hg19) VCF-style: chr13-48953787-G-T.
Other names: c.1389+1G>T (NM_001407165.1, NM_001407166.1).
Identifiers: ClinVar variation 410939 (VCV000410939.12), dbSNP rs1060503087, ClinGen allele CA16614310.
Genomic context (GRCh38, chr13:48,379,651, plus strand): 5'-TAGCGATACAAACTTGGAGTTCGCTTGTATTACCGAGTAATGGAATCCATGCTTAAATCA[G>T]TAAGTTAAAAACAATATAAAAAAATTTCAGCCGGGCGCGGTGGCTCACGCCTGCAATCCC-3'

ClinVar aggregate classification (germline): Pathogenic. Review status: criteria provided, multiple submitters, no conflicts (2 of 4 stars). 2 submissions from 2 submitters: Pathogenic (2). Last evaluated 2024-05-20.

Conditions:
Retinoblastoma (RB1). Also called: RETINOBLASTOMA, SOMATIC. Identifiers: Orphanet 790, MedGen C0035335, MeSH D012175, MONDO:0008380, OMIM 180200, HP:0009919. Disease mechanism: loss of function. Inheritance: Both sporadic and heritable forms are tested..

Submissions (3):

Genetic Diagnostic Laboratory, University of Pennsylvania School of Medicine
Classification: Pathogenic for Retinoblastoma. Last evaluated: 2024-05-20. Review status: criteria provided, single submitter. Criteria: ACMG Guidelines, 2015. Collection method: clinical testing. Allele origin: germline. Affected: yes. Observed: 1 variant allele.
Comment: Case and Pedigree Information: BILATERAL CASES:0, UNILATERAL CASES:1, TOTAL CASES:1, PEDIGREES:1. ACMG Codes Applied:PVS1, PM2

Labcorp Genetics (formerly Invitae), Labcorp
Classification: Pathogenic for Retinoblastoma. Last evaluated: 2021-02-25. Review status: criteria provided, single submitter. Criteria: Invitae Variant Classification Sherloc (09022015). Collection method: clinical testing. Allele origin: germline.
Comment: For these reasons, this variant has been classified as Pathogenic. Algorithms developed to predict the effect of sequence changes on RNA splicing suggest that this variant may disrupt the consensus splice site, but this prediction has not been confirmed by published transcriptional studies. This variant has been observed in individual(s) with retinoblastoma (PMID: 24225018, Invitae). ClinVar contains an entry for this variant (Variation ID: 410939). This variant is not present in population databases (ExAC no frequency). This sequence change affects a donor splice site in intron 14 of the RB1 gene. It is expected to disrupt RNA splicing. Variants that disrupt the donor or acceptor splice site typically lead to a loss of protein function (PMID: 16199547), and loss-of-function variants in RB1 are known to be pathogenic (PMID: 17096365).

Dr. Peter K. Rogan Lab, Western University
No classification provided (evidence only). Condition: Sarcoma. Review status: no classification provided. Collection method: in vitro. Allele origin: not applicable. Functional consequence: skipped exon. Not counted in ClinVar's aggregate classification.

Literature cited by the submitters: PubMed 24225018 (cited by Labcorp Genetics (formerly Invitae), Labcorp); PubMed 16199547 (cited by Labcorp Genetics (formerly Invitae), Labcorp); PubMed 17096365 (cited by Labcorp Genetics (formerly Invitae), Labcorp).